The following is an entry in ClinVar:

ClinVar aggregate classification (germline): Uncertain significance (0 of 4 stars; one submission).

Conditions:
BAZ2B-related disorder. Also called: BAZ2B-related condition.

gnomAD v4.1: 1 of 1,614,118 alleles (0.000062%); no homozygotes.

Submission:

PreventionGenetics, part of Exact Sciences
Classification: Uncertain significance for BAZ2B-related condition. Last evaluated: 2024-07-08. Review status: no assertion criteria provided. Collection method: clinical testing. Allele origin: germline.
Comment: The BAZ2B c.4945A>G variant is predicted to result in the amino acid substitution p.Asn1649Asp. To our knowledge, this variant has not been reported in the literature or in a large population database, indicating this variant is rare. At this time, the clinical significance of this variant is uncertain due to the absence of conclusive functional and genetic evidence.

NM_013450.4(BAZ2B):c.5053A>G (p.Asn1685Asp)

Gene: BAZ2B (bromodomain adjacent to zinc finger domain 2B; minus strand). Cytogenetic location: 2q24.2.
Variant type: single nucleotide variant.
Coding change: c.5053A>G on transcript NM_013450.4 (MANE Select); coding-DNA position 5053, A replaced by G.
Protein change: p.Asn1685Asp; replaces asparagine 1685 with aspartic acid.
Molecular consequence: missense variant.
Genome position (GRCh38, 1-based): chr2:159,349,091, T>C on the plus strand (A>G on the coding strand, the complement: BAZ2B is on the minus strand). VCF-style: chr2-159349091-T-C. GRCh37 (hg19) VCF-style: chr2-160205602-T-C.
Other names: c.4945A>G, p.Asn1649Asp (NM_001289975.1); c.4891A>G, p.Asn1631Asp (NM_001329857.2); c.4978A>G, p.Asn1660Asp (NM_001329858.2); short protein forms N1631D, N1649D, N1660D, N1685D.
Identifiers: ClinVar variation 2637066 (VCV002637066.2), dbSNP rs2471985422, ClinGen allele CA348926674.